The following is an entry in ClinVar:

NM_001457.4(FLNB):c.3334C>G (p.Leu1112Val)

Gene: FLNB (filamin B; plus strand). Cytogenetic location: 3p14.3.
Variant type: single nucleotide variant.
Coding change: c.3334C>G on transcript NM_001457.4 (MANE Select); coding-DNA position 3334, C replaced by G.
Protein change: p.Leu1112Val; replaces leucine 1112 with valine.
Molecular consequence: missense variant.
Genome position (GRCh38, 1-based): chr3:58,123,300, C>G. VCF-style: chr3-58123300-C-G. GRCh37 (hg19) VCF-style: chr3-58109027-C-G.
Other names: c.3334C>G, p.Leu1112Val (NM_001164317.2, NM_001164318.2, NM_001164319.2); short protein forms L1112V.
Identifiers: ClinVar variation 4707406 (VCV004707406.1).

ClinVar aggregate classification (germline): Uncertain significance (1 of 4 stars; one submission).

Submission:

Labcorp Genetics (formerly Invitae), Labcorp
Classification: Uncertain significance. Last evaluated: 2025-03-30. Review status: criteria provided, single submitter. Criteria: Invitae Variant Classification Sherloc (09022015). Collection method: clinical testing. Allele origin: germline.
Comment: This sequence change replaces leucine, which is neutral and non-polar, with valine, which is neutral and non-polar, at codon 1112 of the FLNB protein (p.Leu1112Val). This variant is not present in population databases (gnomAD no frequency). This variant has not been reported in the literature in individuals affected with FLNB-related conditions. Invitae Evidence Modeling of protein sequence and biophysical properties (such as structural, functional, and spatial information, amino acid conservation, physicochemical variation, residue mobility, and thermodynamic stability) indicates that this missense variant is not expected to disrupt FLNB protein function with a negative predictive value of 95%. In summary, the available evidence is currently insufficient to determine the role of this variant in disease. Therefore, it has been classified as a Variant of Uncertain Significance.